The following is an entry in ClinVar:

NM_001298.3(CNGA3):c.95del (p.Leu32fs)

Gene: CNGA3 (cyclic nucleotide gated channel subunit alpha 3; plus strand). Cytogenetic location: 2q11.2.
Variant type: Deletion.
Coding change: c.95del on transcript NM_001298.3 (MANE Select); coding-DNA position 95, one base deleted (T; older notation c.95delT).
Protein change: p.Leu32fs; shifts the reading frame from leucine 32.
Molecular consequence: frameshift variant.
Genome position (GRCh38, 1-based): chr2:98,370,070, T deleted. VCF-style (leftmost placement, unchanged base first): chr2-98370069-CT-C. GRCh37 (hg19) VCF-style: chr2-98986532-CT-C.
Other names: c.95del, p.Leu32fs (NM_001079878.2); short protein forms L32fs.
Identifiers: ClinVar variation 1366181 (VCV001366181.6), dbSNP rs2104175689, ClinGen allele CA2573136001.

ClinVar aggregate classification (germline): Pathogenic (1 of 4 stars; one submission).

Allele frequency attached by ClinVar (database versions not stated): gnomAD exomes below 0.00001.

Submission:

Labcorp Genetics (formerly Invitae), Labcorp
Classification: Pathogenic. Last evaluated: 2022-02-05. Review status: criteria provided, single submitter. Criteria: Invitae Variant Classification Sherloc (09022015). Collection method: clinical testing. Allele origin: germline.
Comment: For these reasons, this variant has been classified as Pathogenic. This variant has not been reported in the literature in individuals affected with CNGA3-related conditions. This variant is not present in population databases (gnomAD no frequency). This sequence change creates a premature translational stop signal (p.Leu32Profs*141) in the CNGA3 gene. It is expected to result in an absent or disrupted protein product. Loss-of-function variants in CNGA3 are known to be pathogenic (PMID: 14757870, 24903488, 25637600).

Literature cited by the submitters: PubMed 14757870; PubMed 24903488; PubMed 25637600.